The following is an entry in ClinVar:

Single allele

Genes: C9orf163 (chromosome 9 putative open reading frame 163; plus strand), DIPK1B (divergent protein kinase domain 1B; plus strand), EGFL7 (EGF like domain multiple 7; plus strand), MIR126 (microRNA 126; plus strand), AGPAT2 (1-acylglycerol-3-phosphate O-acyltransferase 2; minus strand) and 2 more. Cytogenetic location: 9q34.3.
Variant type: Duplication.
Identifiers: ClinVar variation 559399 (VCV000559399.1).

ClinVar aggregate classification (germline): Uncertain significance (0 of 4 stars; one submission).

Conditions:
Fetal growth restriction (IUGR). Also called: Intrauterine growth restriction; Intrauterine growth retardation; Intra uterine growth retardation. Identifiers: MedGen C0015934, MONDO:0005030, HP:0001511.
Narrow nasal bridge. Identifiers: MedGen C4551564, HP:0000446.
Mandibular prognathia. Also called: Habsburg jaw; Hapsburg jaw; Class III malocclusion. Identifiers: Orphanet 2964, MedGen C0399526, MeSH D008313, MONDO:0008312, OMIM 176700, HP:0000303.
Delayed speech and language development. Also called: Language delay. Identifiers: MedGen C0454644, HP:0000750.
Seizure. Also called: Seizures. Identifiers: MedGen C0036572, HP:0001250.

Submission:

Medical Genetics Lab, Policlinico S. Orsola.Malpighi
Classification: Uncertain significance for Seizure; Delayed speech and language development; Fetal growth restriction; Mandibular prognathia; Narrow nasal bridge. Last evaluated: 2018-05-01. Review status: no assertion criteria provided. Collection method: clinical testing. Allele origin: de novo. Affected: yes.
Comment: This is a small, rare, de novo duplication. ClinVar reports three similar overlapping duplications, two defined as of uncertain significance, one benign.